The following is an entry in ClinVar:

NM_003924.4(PHOX2B):c.286C>T (p.Arg96Cys)

Gene: PHOX2B (paired like homeobox 2B; minus strand). Cytogenetic location: 4p13.
Variant type: single nucleotide variant.
Coding change: c.286C>T on transcript NM_003924.4 (MANE Select); coding-DNA position 286, C replaced by T.
Protein change: p.Arg96Cys; replaces arginine 96 with cysteine.
Molecular consequence: missense variant.
Genome position (GRCh38, 1-based): chr4:41,747,492, G>A on the plus strand (C>T on the coding strand, the complement: PHOX2B is on the minus strand). VCF-style: chr4-41747492-G-A. GRCh37 (hg19) VCF-style: chr4-41749509-G-A.
Other names: short protein forms R96C.
Identifiers: ClinVar variation 3223583 (VCV003223583.1), dbSNP rs1450088667, ClinGen allele CA356740446.
Genomic context (GRCh38, chr4:41,747,492, plus strand): 5'-CCCTTTCCAGCTCTTTGAGCTGGGCACTGGTGAAAGTGGTGCGGATGCGCCGCTGCTTGC[G>A]CTTCTCGTTGAGGCCGCCGTGGTCCGTGAAGAGTTTGTAAGGAACTAGAGTATGACAGAG-3'
Protein context (NP_003915.2, residues 86-106): FTDHGGLNEK[Arg96Cys]KQRRIRTTFT

ClinVar aggregate classification (germline): Uncertain significance (1 of 4 stars; one submission).

Conditions:
Hereditary cancer-predisposing syndrome. Also called: Tumor predisposition; Hereditary neoplastic syndrome; Hereditary Cancer Syndrome; Neoplastic Syndromes, Hereditary. Identifiers: Orphanet 140162, MedGen C0027672, MeSH D009386, MONDO:0015356.

Submission:

Ambry Genetics
Classification: Uncertain significance for Hereditary cancer-predisposing syndrome. Last evaluated: 2024-01-16. Review status: criteria provided, single submitter. Criteria: Ambry Variant Classification Scheme 2023. Collection method: clinical testing. Allele origin: germline.
Comment: The p.R96C variant (also known as c.286C>T), located in coding exon 2 of the PHOX2B gene, results from a C to T substitution at nucleotide position 286. The arginine at codon 96 is replaced by cysteine, an amino acid with highly dissimilar properties. This amino acid position is conserved. In addition, this alteration is predicted to be deleterious by in silico analysis. Since supporting evidence is limited at this time, the clinical significance of this alteration remains unclear.